The following is an entry in ClinVar:

NM_001041.4(SI):c.59T>A (p.Val20Asp)

Gene: SI (sucrase-isomaltase; minus strand). Cytogenetic location: 3q26.1.
Variant type: single nucleotide variant.
Coding change: c.59T>A on transcript NM_001041.4 (MANE Select); coding-DNA position 59, T replaced by A.
Protein change: p.Val20Asp; replaces valine 20 with aspartic acid.
Molecular consequence: missense variant.
Genome position (GRCh38, 1-based): chr3:165,075,954, A>T on the plus strand (T>A on the coding strand, the complement: SI is on the minus strand). VCF-style: chr3-165075954-A-T. GRCh37 (hg19) VCF-style: chr3-164793742-A-T.
Other names: short protein forms V20D.
Identifiers: ClinVar variation 902449 (VCV000902449.9), dbSNP rs771580575, ClinGen allele CA2691650.

ClinVar aggregate classification (germline): Uncertain significance. Review status: criteria provided, multiple submitters, no conflicts (2 of 4 stars). 2 submissions from 2 submitters: Uncertain significance (2). Last evaluated 2021-06-22.

Conditions:
Sucrase-isomaltase deficiency (CSID). Also called: Deficiency of isomaltase; Congenital sucrose isomaltose malabsorption; Sucrose isomaltose enzyme deficiency; SI DEFICIENCY. Identifiers: Orphanet 35122, MedGen C1283620, MONDO:0009114, OMIM 222900.

Allele frequency attached by ClinVar (database versions not stated): ExAC 0.00001; gnomAD 0.00001; gnomAD exomes 0.00001 and 0.00004; TOPMed 0.00002.
gnomAD v4.1: 66 of 1,599,260 alleles (0.0041%); highest among the groups gnomAD compares: Non-Finnish European, 0.0055%; no homozygotes.

Submissions (2):

Labcorp Genetics (formerly Invitae), Labcorp
Classification: Uncertain significance. Last evaluated: 2021-06-22. Review status: criteria provided, single submitter. Criteria: Invitae Variant Classification Sherloc (09022015). Collection method: clinical testing. Allele origin: germline.
Comment: In summary, the available evidence is currently insufficient to determine the role of this variant in disease. Therefore, it has been classified as a Variant of Uncertain Significance. Advanced modeling of protein sequence and biophysical properties (such as structural, functional, and spatial information, amino acid conservation, physicochemical variation, residue mobility, and thermodynamic stability) performed at Invitae indicates that this missense variant is expected to disrupt SI protein function. This variant has not been reported in the literature in individuals with SI-related conditions. ClinVar contains an entry for this variant (Variation ID: 902449). This variant is present in population databases (rs771580575, ExAC 0.002%). This sequence change replaces valine with aspartic acid at codon 20 of the SI protein (p.Val20Asp). The valine residue is moderately conserved and there is a large physicochemical difference between valine and aspartic acid.

Illumina Laboratory Services, Illumina
Classification: Uncertain significance for Sucrase-isomaltase deficiency. Last evaluated: 2018-01-12. Review status: criteria provided, single submitter. Criteria: ICSL Variant Classification Criteria 13 December 2019. Collection method: clinical testing. Allele origin: germline.